The following is an entry in ClinVar:

NM_000071.3(CBS):c.955-108C>A

Gene: CBS (cystathionine beta-synthase; minus strand). Cytogenetic location: 21q22.3.
Variant type: single nucleotide variant.
Coding change: c.955-108C>A on transcript NM_000071.3 (MANE Select); 108 bases into the intron before coding-DNA position 955, C replaced by A.
Molecular consequence: intron variant.
Genome position (GRCh38, 1-based): chr21:43,062,503, G>T on the plus strand (C>A on the coding strand, the complement: CBS is on the minus strand). VCF-style: chr21-43062503-G-T. GRCh37 (hg19) VCF-style: chr21-44482613-G-T.
Other names: c.955-108C>A (NM_001320298.2, NM_001178009.3, NM_001178008.3); c.640-108C>A (NM_001321072.1).
Identifiers: ClinVar variation 675342 (VCV000675342.2), dbSNP rs113678154, ClinGen allele CA321090838.
Genomic context (GRCh38, chr21:43,062,503, plus strand): 5'-GTGACCAAGAGGGTGAACAGCCTCATGGTGGACCCCGTGTCTAGGCGGTAGGACCCCAGA[G>T]GTCTCACCCCAGCCTCTCCCCCTGGGATCGGCACGTCTGCAGACTTTCCAGTTCCAACAC-3'

ClinVar aggregate classification (germline): Likely benign. Review status: criteria provided, multiple submitters, no conflicts (2 of 4 stars). 2 submissions from 2 submitters: Likely benign (2). Last evaluated 2018-06-14.

Allele frequency attached by ClinVar (database versions not stated): 1000 Genomes Project 0.01098; gnomAD 0.01389.

Submissions (2):

GeneDx
Classification: Likely benign. Last evaluated: 2018-06-14. Review status: criteria provided, single submitter. Criteria: GeneDx Variant Classification (06012015). Collection method: clinical testing. Allele origin: germline. Affected: yes.
Comment: This variant is considered likely benign or benign based on one or more of the following criteria: it is a conservative change, it occurs at a poorly conserved position in the protein, it is predicted to be benign by multiple in silico algorithms, and/or has population frequency not consistent with disease.

Breakthrough Genomics
Classification: Likely benign. Review status: criteria provided, single submitter. Criteria: ACMG Guidelines, 2015. Collection method: not provided. Allele origin: germline. Inheritance: Autosomal recessive inheritance. Affected: yes.